The following is an entry in ClinVar:

NC_000009.12:g.35658022_35658037dup

Gene: RMRP (RNA component of mitochondrial RNA processing endoribonuclease; minus strand). Cytogenetic location: 9p13.3.
Variant type: Duplication.
Genome position: GRCh38 VCF-style: chr9-35658021-G-GTCCTCAGCTTCACAGA. GRCh37 (hg19) VCF-style: chr9-35658018-G-GTCCTCAGCTTCACAGA.
Identifiers: ClinVar variation 1065911 (VCV001065911.12), dbSNP rs1563907859, ClinGen allele CA587570199.

ClinVar aggregate classification (germline): Pathogenic (1 of 4 stars; one submission).

Conditions:
Anauxetic dysplasia. Identifiers: Orphanet 93347, MedGen C1846796, MONDO:0011773.

Allele frequency attached by ClinVar (database versions not stated): gnomAD exomes 0.00001.

Submission:

Labcorp Genetics (formerly Invitae), Labcorp
Classification: Pathogenic for Anauxetic dysplasia. Last evaluated: 2025-08-04. Review status: criteria provided, single submitter. Criteria: Invitae Variant Classification Sherloc (09022015). Collection method: clinical testing. Allele origin: germline.
Comment: This variant occurs in the RMRP gene, which encodes an RNA molecule that does not result in a protein product. This variant is present in population databases (no rsID available, gnomAD 0.002%). While this particular variant has not been reported in the literature, it is located in the promoter region between the TATA box and the transcription initiation site, and other insertions and duplications immediately upstream of the coding sequence have been reported in individuals affected with cartilage-hair hypoplasia-anauxetic dysplasia (CHH-AD) spectrum disorders (PMID: 16244706, 11207361, 12107819). While functional studies for this variant have not been reported, experimental analyses using patient derived cells, as well as in vitro transfection studies, have shown that promoter insertions result in silencing of RMRP transcription and reduced expression of the gene product (PMID: 11207361, 16254002). For these reasons, this variant has been classified as Pathogenic.

Literature cited by the submitters: PubMed 16244706; PubMed 11207361; PubMed 12107819; PubMed 16254002.